The following is an entry in ClinVar:

ClinVar aggregate classification (germline): Conflicting classifications of pathogenicity. Review status: criteria provided, conflicting classifications (1 of 4 stars). 4 submissions from 4 submitters: Uncertain significance (3); Likely benign (1). Last evaluated 2026-01-28.

Conditions:
Usher syndrome type 2C. Also called: Usher syndrome, type 2B; USHER SYNDROME, TYPE IIC. Identifiers: Orphanet 231178, Orphanet 886, MedGen C2931213, MONDO:0011558, OMIM 605472.

Allele frequency attached by ClinVar (database versions not stated): ESP Exome Variant Server 0.00017; TOPMed 0.00022; gnomAD 0.00025.
gnomAD v4.1: 223 of 1,610,748 alleles (0.014%); highest among the groups gnomAD compares: Non-Finnish European, 0.017%; no homozygotes.

Submissions (4):

Labcorp Genetics (formerly Invitae), Labcorp
Classification: Likely benign. Last evaluated: 2026-01-28. Review status: criteria provided, single submitter. Criteria: Invitae Variant Classification Sherloc (09022015). Collection method: clinical testing. Allele origin: germline.

GeneDx
Classification: Uncertain significance. Last evaluated: 2024-06-21. Review status: criteria provided, single submitter. Criteria: GeneDx Variant Classification Process June 2021. Collection method: clinical testing. Allele origin: germline. Affected: yes.
Comment: In silico analysis supports that this missense variant has a deleterious effect on protein structure/function; Has not been previously published as pathogenic or benign to our knowledge

Blueprint Genetics
Classification: Uncertain significance. Last evaluated: 2024-05-16. Review status: criteria provided, single submitter. Criteria: ACMG Guidelines, 2015. Collection method: clinical testing. Allele origin: germline.

Illumina Laboratory Services, Illumina
Classification: Uncertain significance for Usher syndrome type 2C. Last evaluated: 2018-01-13. Review status: criteria provided, single submitter. Criteria: ICSL Variant Classification Criteria 13 December 2019. Collection method: clinical testing. Allele origin: germline.

NM_032119.4(ADGRV1):c.13186G>A (p.Ala4396Thr)

Gene: ADGRV1 (adhesion G protein-coupled receptor V1; plus strand). Cytogenetic location: 5q14.3.
Variant type: single nucleotide variant.
Coding change: c.13186G>A on transcript NM_032119.4 (MANE Select); coding-DNA position 13186, G replaced by A.
Protein change: p.Ala4396Thr; replaces alanine 4396 with threonine.
Molecular consequence: missense variant. On other transcripts: non-coding transcript variant (1).
Genome position (GRCh38, 1-based): chr5:90,781,533, G>A. VCF-style: chr5-90781533-G-A. GRCh37 (hg19) VCF-style: chr5-90077350-G-A.
Other names: short protein forms A4396T.
Identifiers: ClinVar variation 844544 (VCV000844544.14), dbSNP rs201154290, ClinGen allele CA3341457.
Genomic context (GRCh38, chr5:90,781,533, plus strand): 5'-CAACCTCCTGAAATAGGAAACATCTCCATTGTTCGCATCATAATAATGAAAAATGATAAC[G>A]CAGAAGGCATCATTGAATTTGACCCAAAGTATACTGCCTTCGAAGGTAGGTTCAGTCAGC-3'
Protein context (NP_115495.3, residues 4386-4406): VRIIIMKNDN[Ala4396Thr]EGIIEFDPKY